The following is an entry in ClinVar:

ClinVar aggregate classification (germline): Uncertain significance. Review status: criteria provided, multiple submitters, no conflicts (2 of 4 stars). 2 submissions from 2 submitters: Uncertain significance (2). Last evaluated 2025-01-27.

Conditions:
Cone dystrophy. Identifiers: Orphanet 1871, MedGen C0730290, MONDO:0000455.

Submissions (2):

Labcorp Genetics (formerly Invitae), Labcorp
Classification: Uncertain significance. Last evaluated: 2025-01-27. Review status: criteria provided, single submitter. Criteria: Invitae Variant Classification Sherloc (09022015). Collection method: clinical testing. Allele origin: germline.
Comment: This sequence change replaces aspartic acid, which is acidic and polar, with valine, which is neutral and non-polar, at codon 613 of the ABCA4 protein (p.Asp613Val). This variant is not present in population databases (gnomAD no frequency). This variant has not been reported in the literature in individuals affected with ABCA4-related conditions. ClinVar contains an entry for this variant (Variation ID: 1382097). Invitae Evidence Modeling of protein sequence and biophysical properties (such as structural, functional, and spatial information, amino acid conservation, physicochemical variation, residue mobility, and thermodynamic stability) indicates that this missense variant is expected to disrupt ABCA4 protein function with a positive predictive value of 95%. In summary, the available evidence is currently insufficient to determine the role of this variant in disease. Therefore, it has been classified as a Variant of Uncertain Significance.

Lab De Baere, Eye and Developmental Genetics Lab, Ghent University
Classification: Uncertain significance for Cone dystrophy. Last evaluated: 2024-10-01. Review status: criteria provided, single submitter. Criteria: ACMG Guidelines, 2015. Collection method: research. Allele origin: inherited. Affected: yes. Observed: 1 variant allele.
Comment: ACMG/AMP guidelines: PM2, PP4_PP, PP3

NM_000350.3(ABCA4):c.1838A>T (p.Asp613Val)

Gene: ABCA4 (ATP binding cassette subfamily A member 4; minus strand). Cytogenetic location: 1p22.1.
Variant type: single nucleotide variant.
Coding change: c.1838A>T on transcript NM_000350.3 (MANE Select); coding-DNA position 1838, A replaced by T.
Protein change: p.Asp613Val; replaces aspartic acid 613 with valine.
Molecular consequence: missense variant.
Genome position (GRCh38, 1-based): chr1:94,062,676, T>A on the plus strand (A>T on the coding strand, the complement: ABCA4 is on the minus strand). VCF-style: chr1-94062676-T-A. GRCh37 (hg19) VCF-style: chr1-94528232-T-A.
Other names: c.1838A>T, p.Asp613Val (NM_001425324.1); short protein forms D613V.
Identifiers: ClinVar variation 1382097 (VCV001382097.7), dbSNP rs2101078303, ClinGen allele CA341279518.